The following is an entry in ClinVar:

NM_002334.4(LRP4):c.4322A>G (p.Asn1441Ser)

Genes: LRP4 (LDL receptor related protein 4; minus strand), LRP4-AS1 (LRP4 antisense RNA 1; plus strand). Cytogenetic location: 11p11.2.
Variant type: single nucleotide variant.
Coding change: c.4322A>G on transcript NM_002334.4 (MANE Select); coding-DNA position 4322, A replaced by G.
Protein change: p.Asn1441Ser; replaces asparagine 1441 with serine.
Molecular consequence: missense variant. On other transcripts: non-coding transcript variant (1).
Genome position (GRCh38, 1-based): chr11:46,873,501, T>C on the plus strand (A>G on the coding strand, the complement: LRP4 is on the minus strand). VCF-style: chr11-46873501-T-C. GRCh37 (hg19) VCF-style: chr11-46895052-T-C.
Other names: short protein forms N1441S.
Identifiers: ClinVar variation 304860 (VCV000304860.27), dbSNP rs886048350, ClinGen allele CA10635016.

ClinVar aggregate classification (germline): Uncertain significance. Review status: criteria provided, multiple submitters, no conflicts (2 of 4 stars). 3 submissions from 3 submitters: Uncertain significance (3). Last evaluated 2025-12-11.

Conditions:
Cenani-Lenz syndactyly syndrome. Also called: SYNDACTYLY, TYPE VII; CENANI SYNDACTYLISM. Identifiers: Orphanet 3258, MedGen C1859309, MONDO:0008931, OMIM 212780.
Inborn genetic diseases. Identifiers: MedGen C0950123, MeSH D030342.

Allele frequency attached by ClinVar (database versions not stated): gnomAD exomes below 0.00001 and 0.00001; TOPMed below 0.00001.
gnomAD v4.1: 15 of 1,614,160 alleles (0.00093%); highest among the groups gnomAD compares: African/African-American, 0.0013%; no homozygotes.

Submissions (3):

Ambry Genetics
Classification: Uncertain significance for Inborn genetic diseases. Last evaluated: 2025-12-11. Review status: criteria provided, single submitter. Criteria: Ambry Variant Classification Scheme 2023. Collection method: clinical testing. Allele origin: germline.

CeGaT Center for Human Genetics Tuebingen
Classification: Uncertain significance. Last evaluated: 2023-12-01. Review status: criteria provided, single submitter. Criteria: CeGaT Center For Human Genetics Tuebingen Variant Classification Criteria Version 2. Collection method: clinical testing. Allele origin: germline. Affected: yes. Observed: 1 variant allele.
Comment: LRP4: PM2

Illumina Laboratory Services, Illumina
Classification: Uncertain significance for Cenani-Lenz syndactyly syndrome. Last evaluated: 2018-01-13. Review status: criteria provided, single submitter. Criteria: ICSL Variant Classification Criteria 13 December 2019. Collection method: clinical testing. Allele origin: germline.